The following is an entry in ClinVar:

NM_031443.4(CCM2):c.852G>C (p.Lys284Asn)

Gene: CCM2 (CCM2 scaffold protein; plus strand). Cytogenetic location: 7p13.
Variant type: single nucleotide variant.
Coding change: c.852G>C on transcript NM_031443.4 (MANE Select); coding-DNA position 852, G replaced by C.
Protein change: p.Lys284Asn; replaces lysine 284 with asparagine.
Molecular consequence: missense variant. On other transcripts: non-coding transcript variant (1).
Genome position (GRCh38, 1-based): chr7:45,073,508, G>C. VCF-style: chr7-45073508-G-C. GRCh37 (hg19) VCF-style: chr7-45113107-G-C.
Other names: c.915G>C, p.Lys305Asn (NM_001029835.2); c.678G>C, p.Lys226Asn (NM_001167934.2); c.579G>C, p.Lys193Asn (NM_001167935.2); c.975G>C, p.Lys325Asn (NM_001363458.2); c.801G>C, p.Lys267Asn (NM_001363459.2); short protein forms K193N, K226N, K267N, K284N, K305N, K325N.
Identifiers: ClinVar variation 2412894 (VCV002412894.5), dbSNP rs1403028486, ClinGen allele CA367431042.

ClinVar aggregate classification (germline): Uncertain significance. Review status: criteria provided, multiple submitters, no conflicts (2 of 4 stars). 2 submissions from 2 submitters: Uncertain significance (2). Last evaluated 2024-04-25.

Conditions:
Cerebral cavernous malformation 2. Also called: Familial Cerebral Cavernous Malformation 2. Identifiers: Orphanet 221061, MedGen C1864041, MONDO:0011304, OMIM 603284.

Submissions (2):

Labcorp Genetics (formerly Invitae), Labcorp
Classification: Uncertain significance for Cerebral cavernous malformation 2. Last evaluated: 2024-04-25. Review status: criteria provided, single submitter. Criteria: Invitae Variant Classification Sherloc (09022015). Collection method: clinical testing. Allele origin: germline.
Comment: This sequence change replaces lysine, which is basic and polar, with asparagine, which is neutral and polar, at codon 284 of the CCM2 protein (p.Lys284Asn). This variant is not present in population databases (gnomAD no frequency). This variant has not been reported in the literature in individuals affected with CCM2-related conditions. ClinVar contains an entry for this variant (Variation ID: 2412894). Advanced modeling of protein sequence and biophysical properties (such as structural, functional, and spatial information, amino acid conservation, physicochemical variation, residue mobility, and thermodynamic stability) performed at Invitae indicates that this missense variant is not expected to disrupt CCM2 protein function with a negative predictive value of 80%. In summary, the available evidence is currently insufficient to determine the role of this variant in disease. Therefore, it has been classified as a Variant of Uncertain Significance.

GeneDx
Classification: Uncertain significance. Last evaluated: 2022-07-28. Review status: criteria provided, single submitter. Criteria: GeneDx Variant Classification Process June 2021. Collection method: clinical testing. Allele origin: germline. Affected: yes.
Comment: Not observed at significant frequency in large population cohorts (gnomAD); In silico analysis supports that this missense variant does not alter protein structure/function; Has not been previously published as pathogenic or benign to our knowledge